The following is an entry in ClinVar:

ClinVar aggregate classification (germline): Likely pathogenic (1 of 4 stars; one submission).

Conditions:
NPHP3-related disorder. Also called: NPHP3-related condition; NPHP3-related disorders. Identifiers: MedGen CN379163.

Submission:

PreventionGenetics, part of Exact Sciences
Classification: Likely pathogenic for NPHP3-related condition. Last evaluated: 2025-05-22. Review status: criteria provided, single submitter. Criteria: ACMG Guidelines, 2015. Collection method: clinical testing. Allele origin: germline.
Comment: The NPHP3 c.1986-1G>T variant is predicted to disrupt the AG splice acceptor site and interfere with normal splicing. To our knowledge, this variant has not been reported in the literature or in a large population database (gnomAD), indicating this variant is rare. Variants that disrupt the consensus splice acceptor site in NPHP3 are expected to be pathogenic. This variant is interpreted as likely pathogenic.

NM_153240.5(NPHP3):c.1986-1G>T

Genes: NPHP3 (nephrocystin 3; minus strand), NPHP3-ACAD11 (NPHP3-ACAD11 readthrough (NMD candidate); minus strand). Cytogenetic location: 3q22.1.
Variant type: single nucleotide variant.
Coding change: c.1986-1G>T on transcript NM_153240.5 (MANE Select); the canonical splice acceptor site of the intron before coding-DNA position 1986, G replaced by T.
Molecular consequence: splice acceptor variant.
Genome position (GRCh38, 1-based): chr3:132,697,363, C>A on the plus strand (G>T on the coding strand, the complement: NPHP3 is on the minus strand). VCF-style: chr3-132697363-C-A. GRCh37 (hg19) VCF-style: chr3-132416207-C-A.
Identifiers: ClinVar variation 4998197 (VCV004998197.1).